The following is an entry in ClinVar:

NM_004525.3(LRP2):c.11567C>T (p.Pro3856Leu)

Gene: LRP2 (LDL receptor related protein 2; minus strand). Cytogenetic location: 2q31.1.
Variant type: single nucleotide variant.
Coding change: c.11567C>T on transcript NM_004525.3 (MANE Select); coding-DNA position 11567, C replaced by T.
Protein change: p.Pro3856Leu; replaces proline 3856 with leucine.
Molecular consequence: missense variant.
Genome position (GRCh38, 1-based): chr2:169,168,607, G>A on the plus strand (C>T on the coding strand, the complement: LRP2 is on the minus strand). VCF-style: chr2-169168607-G-A. GRCh37 (hg19) VCF-style: chr2-170025117-G-A.
Other names: short protein forms P3856L.
Identifiers: ClinVar variation 1716773 (VCV001716773.3), dbSNP rs1385793728, ClinGen allele CA349141389.

ClinVar aggregate classification (germline): Uncertain significance (1 of 4 stars; one submission).

Allele frequency attached by ClinVar (database versions not stated): gnomAD 0.00001; gnomAD exomes 0.00001; TOPMed 0.00002.
gnomAD v4.1: 11 of 1,613,892 alleles (0.00068%); highest among the groups gnomAD compares: South Asian, 0.0011%; no homozygotes.

Submission:

Labcorp Genetics (formerly Invitae), Labcorp
Classification: Uncertain significance. Last evaluated: 2022-08-19. Review status: criteria provided, single submitter. Criteria: Invitae Variant Classification Sherloc (09022015). Collection method: clinical testing. Allele origin: germline.
Comment: This sequence change replaces proline, which is neutral and non-polar, with leucine, which is neutral and non-polar, at codon 3856 of the LRP2 protein (p.Pro3856Leu). This variant is present in population databases (no rsID available, gnomAD 0.002%). This variant has not been reported in the literature in individuals affected with LRP2-related conditions. Advanced modeling of protein sequence and biophysical properties (such as structural, functional, and spatial information, amino acid conservation, physicochemical variation, residue mobility, and thermodynamic stability) performed at Invitae indicates that this missense variant is not expected to disrupt LRP2 protein function. In summary, the available evidence is currently insufficient to determine the role of this variant in disease. Therefore, it has been classified as a Variant of Uncertain Significance.